The following is an entry in ClinVar:

ClinVar aggregate classification (germline): Uncertain significance (1 of 4 stars; one submission).

Conditions:
Leigh syndrome (NULS). Also called: Leigh's necrotizing encephalopathy; Leigh's disease; Leigh Syndrome (mtDNA deletion); Leigh Disease; Subacute necrotizing encephalopathy; Necrotizing encephalopathy infantile subacute of Leigh. Identifiers: Orphanet 506, MedGen C2931891, MONDO:0009723, OMIM 256000.

Submission:

Wong Mito Lab, Molecular and Human Genetics, Baylor College of Medicine
Classification: Uncertain significance for Leigh syndrome. Last evaluated: 2019-10-17. Review status: criteria provided, single submitter. Criteria: Modified ACMG Guidelines (Unpublished). Collection method: clinical testing. Allele origin: germline.
Comment: The NC_012920.1:m.3713T>C (YP_003024026.1:p.Val136Ala) variant in MTND1 gene is interpretated to be a Uncertain Significance variant based on the modified ACMG guidelines (unpublished). This variant meets the following evidence codes: PP4

Literature cited by the submitters: PubMed 27177320.

NC_012920.1(MT-ND1):m.3713T>C

Gene: MT-ND1 (mitochondrially encoded NADH dehydrogenase 1; plus strand).
Variant type: single nucleotide variant.
Genome position: chrM-3713-T-C.
Identifiers: ClinVar variation 692391 (VCV000692391.1), dbSNP rs1603219096, ClinGen allele CA414773358.
Genomic context (GRCh38, chrMT:3,713, plus strand): 5'-TCCTCTGATCAGGGTGAGCATCAAACTCAAACTACGCCCTGATCGGCGCACTGCGAGCAG[T>C]AGCCCAAACAATCTCATATGAAGTCACCCTAGCCATCATTCTACTATCAACATTACTAAT-3'